The following is an entry in ClinVar:

ClinVar aggregate classification (germline): Pathogenic. Review status: criteria provided, multiple submitters, no conflicts (2 of 4 stars). 2 submissions from 2 submitters: Pathogenic (2). Last evaluated 2023-11-16.

Conditions:
Encephalopathy, progressive, early-onset, with brain edema and/or leukoencephalopathy, 1 (PEBEL1). Also called: NAD(P)HX epimerase deficiency. Identifiers: Orphanet 555407, MedGen C4310675, MONDO:0020781, OMIM 617186.

Submissions (2):

GeneDx
Classification: Pathogenic. Last evaluated: 2023-11-16. Review status: criteria provided, single submitter. Criteria: GeneDx Variant Classification Process June 2021. Collection method: clinical testing. Allele origin: germline. Affected: yes.
Comment: Nonsense variant predicted to result in protein truncation or nonsense mediated decay in a gene for which loss of function is a known mechanism of disease; This variant is associated with the following publications: (PMID: 33798445)

Women's Health and Genetics/Laboratory Corporation of America, LabCorp
Classification: Pathogenic for Encephalopathy, progressive, early-onset, with brain edema and/or leukoencephalopathy, 1. Last evaluated: 2023-05-10. Review status: criteria provided, single submitter. Criteria: LabCorp Variant Classification Summary - May 2015. Collection method: clinical testing. Allele origin: germline.
Comment: Variant summary: APOA1BP c.128C>A (p.Ser43X) results in a premature termination codon, predicted to cause a truncation of the encoded protein or absence of the protein due to nonsense mediated decay, which are commonly known mechanisms for disease. The variant allele was found at a frequency of 3.3e-05 in 275032 control chromosomes. c.128C>A has been reported in the literature in individuals affected with Progressive myoclonus epilepsies (Courage_2021). To our knowledge, no experimental evidence demonstrating an impact on protein function has been reported. The following publication have been ascertained in the context of this evaluation (PMID: 33798445). No clinical diagnostic laboratories have submitted clinical-significance assessments for this variant to ClinVar after 2014. Based on the evidence outlined above, the variant was classified as pathogenic.

Literature cited by the submitters: PubMed 33798445 (cited by Women's Health and Genetics/Laboratory Corporation of America, LabCorp).

NM_144772.3(NAXE):c.128C>A (p.Ser43Ter)

Gene: NAXE (NAD(P)HX epimerase; plus strand). Cytogenetic location: 1q22.
Variant type: single nucleotide variant.
Coding change: c.128C>A on transcript NM_144772.3 (MANE Select); coding-DNA position 128, C replaced by A.
Protein change: p.Ser43Ter; replaces serine 43 with a stop codon.
Molecular consequence: nonsense.
Genome position (GRCh38, 1-based): chr1:156,591,932, C>A. VCF-style: chr1-156591932-C-A. GRCh37 (hg19) VCF-style: chr1-156561724-C-A.
Other names: c.128C>A (NM_144772.2); short protein forms S43*.
Identifiers: ClinVar variation 2506103 (VCV002506103.2), dbSNP rs765587923, ClinGen allele CA1162643.